The following is an entry in ClinVar:

ClinVar aggregate classification (germline): Uncertain significance (1 of 4 stars; one submission).

Submission:

GeneDx
Classification: Uncertain significance. Last evaluated: 2026-02-03. Review status: criteria provided, single submitter. Criteria: GeneDx Variant Classification Process June 2021. Collection method: clinical testing. Allele origin: germline.
Comment: Not observed at significant frequency in large population cohorts (gnomAD); In silico analysis supports that this missense variant has a deleterious effect on protein structure/function; Has not been previously published as pathogenic or benign to our knowledge

NM_000222.3(KIT):c.1757G>C (p.Arg586Thr)

Gene: KIT (KIT proto-oncogene, receptor tyrosine kinase; plus strand). Cytogenetic location: 4q12.
Variant type: single nucleotide variant.
Coding change: c.1757G>C on transcript NM_000222.3 (MANE Select); coding-DNA position 1757, G replaced by C.
Protein change: p.Arg586Thr; replaces arginine 586 with threonine.
Molecular consequence: missense variant.
Genome position (GRCh38, 1-based): chr4:54,727,525, G>C. VCF-style: chr4-54727525-G-C. GRCh37 (hg19) VCF-style: chr4-55593691-G-C.
Other names: c.1745G>C, p.Arg582Thr (NM_001093772.2, NM_001385286.1); c.1760G>C, p.Arg587Thr (NM_001385284.1, NM_001385290.1); c.1757G>C, p.Arg586Thr (NM_001385285.1); c.1748G>C, p.Arg583Thr (NM_001385288.1, NM_001385292.1); short protein forms R582T, R583T, R586T, R587T.
Identifiers: ClinVar variation 4976143 (VCV004976143.1).